The following is an entry in ClinVar:

ClinVar aggregate classification (germline): Uncertain significance. Review status: criteria provided, multiple submitters, no conflicts (2 of 4 stars). 2 submissions from 2 submitters: Uncertain significance (2). Last evaluated 2023-10-13.

Allele frequency attached by ClinVar (database versions not stated): TOPMed below 0.00001; gnomAD exomes 0.00001.
gnomAD v4.1: 5 of 1,611,570 alleles (0.00031%); highest among the groups gnomAD compares: Admixed American, 0.005%; no homozygotes.

Submissions (2):

Labcorp Genetics (formerly Invitae), Labcorp
Classification: Uncertain significance. Last evaluated: 2023-10-13. Review status: criteria provided, single submitter. Criteria: Invitae Variant Classification Sherloc (09022015). Collection method: clinical testing. Allele origin: germline.
Comment: This sequence change replaces glutamic acid, which is acidic and polar, with valine, which is neutral and non-polar, at codon 281 of the CEP78 protein (p.Glu281Val). This variant is not present in population databases (gnomAD no frequency). This variant has not been reported in the literature in individuals affected with CEP78-related conditions. ClinVar contains an entry for this variant (Variation ID: 2047763). Advanced modeling of protein sequence and biophysical properties (such as structural, functional, and spatial information, amino acid conservation, physicochemical variation, residue mobility, and thermodynamic stability) performed at Invitae indicates that this missense variant is not expected to disrupt CEP78 protein function. In summary, the available evidence is currently insufficient to determine the role of this variant in disease. Therefore, it has been classified as a Variant of Uncertain Significance.

Blueprint Genetics
Classification: Uncertain significance. Last evaluated: 2022-08-27. Review status: criteria provided, single submitter. Criteria: ACMG Guidelines, 2015. Collection method: clinical testing. Allele origin: germline.

NM_001330691.3(CEP78):c.842A>T (p.Glu281Val)

Gene: CEP78 (centrosomal protein 78; plus strand). Cytogenetic location: 9q21.2.
Variant type: single nucleotide variant.
Coding change: c.842A>T on transcript NM_001330691.3 (MANE Select); coding-DNA position 842, A replaced by T.
Protein change: p.Glu281Val; replaces glutamic acid 281 with valine.
Molecular consequence: missense variant.
Genome position (GRCh38, 1-based): chr9:78,246,732, A>T. VCF-style: chr9-78246732-A-T. GRCh37 (hg19) VCF-style: chr9-80861648-A-T.
Other names: c.842A>T, p.Glu281Val (NM_001098802.3, NM_001330693.3, NM_001330694.2 and 4 more transcripts); short protein forms E281V.
Identifiers: ClinVar variation 2047763 (VCV002047763.5), dbSNP rs1826505153, ClinGen allele CA373855863.